The following is an entry in ClinVar:

NM_020928.2(ZSWIM6):c.498_509del (p.Thr167_Ala170del)

Gene: ZSWIM6 (zinc finger SWIM-type containing 6; plus strand). Cytogenetic location: 5q12.1.
Variant type: Deletion.
Coding change: c.498_509del on transcript NM_020928.2 (MANE Select); coding-DNA positions 498 to 509, 12 bases deleted (AACCTCGGCCGC).
Protein change: p.Thr167_Ala170del.
Molecular consequence: inframe deletion.
Genome position (GRCh38, 1-based): chr5:61,332,770-61,332,781, AACCTCGGCCGC deleted; deleting any 12 consecutive bases within chr5:61,332,763-61,332,781 gives the same sequence; the c. name uses the placement nearest the transcript's 3' end. VCF-style (leftmost placement, unchanged base first): chr5-61332762-GCGGCCGCAACCT-G. GRCh37 (hg19) VCF-style: chr5-60628589-GCGGCCGCAACCT-G.
Identifiers: ClinVar variation 1987175 (VCV001987175.4), dbSNP rs1219256103, ClinGen allele CA812782078.
Genomic context (GRCh38, chr5:61,332,762, plus strand): 5'-GGCGGCGGCGCGGGCGGCGGCGGCGGCGGCGGCTCCTCGTCTTCCCCGGCCGCAACCTCG[GCGGCCGCAACCT>G]CGGCCGCCGCCGCCGCTGCCGCCGCCGCCGCCGCCGCCGCCGCCGCCGCGGGGGCCGGGG-3'

ClinVar aggregate classification (germline): Uncertain significance (1 of 4 stars; one submission).

Submission:

Labcorp Genetics (formerly Invitae), Labcorp
Classification: Uncertain significance. Last evaluated: 2021-01-12. Review status: criteria provided, single submitter. Criteria: Invitae Variant Classification Sherloc (09022015). Collection method: clinical testing. Allele origin: germline.
Comment: Experimental studies and prediction algorithms are not available or were not evaluated, and the functional significance of this variant is currently unknown. In summary, the available evidence is currently insufficient to determine the role of this variant in disease. Therefore, it has been classified as a Variant of Uncertain Significance. This variant has not been reported in the literature in individuals with ZSWIM6-related conditions. This variant, c.498_509del, results in the deletion of 4 amino acid(s) of the ZSWIM6 protein (p.Thr167_Ala170del), but otherwise preserves the integrity of the reading frame. The frequency data for this variant in the population databases is considered unreliable, as metrics indicate insufficient coverage at this position in the ExAC database.